The following is an entry in ClinVar:

NM_144966.5(FREM1):c.*334A>T

Gene: FREM1 (FRAS1 related extracellular matrix 1; minus strand). Cytogenetic location: 9p22.3.
Variant type: single nucleotide variant.
Coding change: c.*334A>T on transcript NM_144966.5; 334 bases downstream of the stop codon, A replaced by T.
Genome position (GRCh38, 1-based): chr9:14,737,062, T>A on the plus strand (A>T on the coding strand, the complement: FREM1 is on the minus strand). VCF-style: chr9-14737062-T-A. GRCh37 (hg19) VCF-style: chr9-14737060-T-A.
Identifiers: ClinVar variation 914092 (VCV000914092.6), dbSNP rs75042646, ClinGen allele CA189356460.

ClinVar aggregate classification (germline): Likely benign (1 of 4 stars; one submission).

Conditions:
Oculotrichoanal syndrome (MOTA). Also called: MARLES SYNDROME; Manitoba Oculotrichoanal (MOTA) Syndrome. Identifiers: Orphanet 2717, MedGen C1855425, MONDO:0009560, OMIM 248450.

Allele frequency attached by ClinVar (database versions not stated): gnomAD exomes 0.00118; gnomAD 0.00368 and 0.00335; 1000 Genomes Project 0.00220.

Submission:

Illumina Laboratory Services, Illumina
Classification: Likely benign for Oculotrichoanal syndrome. Last evaluated: 2018-01-13. Review status: criteria provided, single submitter. Criteria: ICSL Variant Classification Criteria 13 December 2019. Collection method: clinical testing. Allele origin: germline.
Comment: This variant was observed in the ICSL laboratory as part of a predisposition screen in an ostensibly healthy population. It had not been previously curated by ICSL or reported in the Human Gene Mutation Database (HGMD: prior to June 1st, 2018), and was therefore a candidate for classification through an automated scoring system. Utilizing variant allele frequency, disease prevalence and penetrance estimates, and inheritance mode, an automated score was calculated to assess if this variant is too frequent to cause the disease. Based on the score and internal cut-off values, a variant classified as likely benign is not then subjected to further curation. The score for this variant resulted in a classification of likely benign for this disease.